The following is an entry in ClinVar:

NM_001163435.3(TBCK):c.1694T>G (p.Leu565Trp)

Gene: TBCK (TBC1 domain containing kinase; minus strand). Cytogenetic location: 4q24.
Variant type: single nucleotide variant.
Coding change: c.1694T>G on transcript NM_001163435.3 (MANE Select); coding-DNA position 1694, T replaced by G.
Protein change: p.Leu565Trp; replaces leucine 565 with tryptophan.
Molecular consequence: missense variant.
Genome position (GRCh38, 1-based): chr4:106,230,443, A>C on the plus strand (T>G on the coding strand, the complement: TBCK is on the minus strand). VCF-style: chr4-106230443-A-C. GRCh37 (hg19) VCF-style: chr4-107151600-A-C.
Other names: c.1694T>G, p.Leu565Trp (NM_001163436.4); c.1577T>G, p.Leu526Trp (NM_001163437.3); c.1178T>G, p.Leu393Trp (NM_001290768.2); c.1505T>G, p.Leu502Trp (NM_033115.5); short protein forms L502W, L526W, L565W, L393W.
Identifiers: ClinVar variation 1448855 (VCV001448855.5), dbSNP rs1246798097, ClinGen allele CA357821994.

ClinVar aggregate classification (germline): Uncertain significance (1 of 4 stars; one submission).

Allele frequency attached by ClinVar (database versions not stated): gnomAD exomes 0.00001; TOPMed 0.00001.
gnomAD v4.1: 3 of 1,594,658 alleles (0.00019%); highest among the groups gnomAD compares: Admixed American, 0.005%; no homozygotes.

Submission:

Labcorp Genetics (formerly Invitae), Labcorp
Classification: Uncertain significance. Last evaluated: 2021-08-25. Review status: criteria provided, single submitter. Criteria: Invitae Variant Classification Sherloc (09022015). Collection method: clinical testing. Allele origin: germline.
Comment: This sequence change replaces leucine with tryptophan at codon 565 of the TBCK protein (p.Leu565Trp). The leucine residue is highly conserved and there is a small physicochemical difference between leucine and tryptophan. This variant is not present in population databases (ExAC no frequency). This variant has not been reported in the literature in individuals affected with TBCK-related conditions. Algorithms developed to predict the effect of missense changes on protein structure and function are either unavailable or do not agree on the potential impact of this missense change (SIFT: "Deleterious"; PolyPhen-2: "Probably Damaging"; Align-GVGD: "Class C0"). In summary, the available evidence is currently insufficient to determine the role of this variant in disease. Therefore, it has been classified as a Variant of Uncertain Significance.